The following is an entry in ClinVar:

NM_002857.4(PEX19):c.-4C>T

Gene: PEX19 (peroxisomal biogenesis factor 19; minus strand). Cytogenetic location: 1q23.2.
Variant type: single nucleotide variant.
Coding change: c.-4C>T on transcript NM_002857.4 (MANE Select); 4 bases upstream of the start codon, C replaced by T.
Molecular consequence: 5 prime UTR variant. On other transcripts: non-coding transcript variant (2).
Genome position (GRCh38, 1-based): chr1:160,285,128, G>A on the plus strand (C>T on the coding strand, the complement: PEX19 is on the minus strand). VCF-style: chr1-160285128-G-A. GRCh37 (hg19) VCF-style: chr1-160254918-G-A.
Other names: c.-4C>T (NM_001193644.1).
Identifiers: ClinVar variation 293235 (VCV000293235.15), dbSNP rs201541204, ClinGen allele CA1197524.

ClinVar aggregate classification (germline): Conflicting classifications of pathogenicity. Review status: criteria provided, conflicting classifications (1 of 4 stars). 7 submissions from 7 submitters: Uncertain significance (3); Benign (1); Likely benign (3). Last evaluated 2025-09-09.

Conditions:
Peroxisome biogenesis disorder 12A (Zellweger). Also called: Peroxisome biogenesis disorder 12A. Identifiers: Orphanet 912, MedGen C3554002, MONDO:0013951, OMIM 614886.
PEX19-related disorder. Also called: PEX19-related condition.

Allele frequency attached by ClinVar (database versions not stated): 1000 Genomes Project 0.00040; 1000 Genomes Project 30x 0.00047; gnomAD 0.00052 and 0.00053; TOPMed 0.00054; ExAC 0.00061; gnomAD exomes 0.00062 and 0.00107; ESP Exome Variant Server 0.00085.

Submissions (7):

Mayo Clinic Laboratories, Mayo Clinic
Classification: Likely benign. Last evaluated: 2025-09-09. Review status: criteria provided, single submitter. Criteria: ACMG Guidelines, 2015. Collection method: clinical testing. Allele origin: germline. Observed: 2 variant alleles.
Comment: BS1_supporting, BP4, BP7

Women's Health and Genetics/Laboratory Corporation of America, LabCorp
Classification: Benign. Last evaluated: 2025-05-08. Review status: criteria provided, single submitter. Criteria: LabCorp Variant Classification Summary - May 2015. Collection method: clinical testing. Allele origin: germline.
Comment: Variant summary: PEX19 c.-4C>T is located in the untranslated mRNA region upstream of the initiation codon. The variant allele was found at a frequency of 0.00062 in 251302 control chromosomes. The observed variant frequency is approximately 2-fold of the estimated maximal expected allele frequency for a pathogenic variant in PEX19 causing Peroxisome Biogenesis Disorders, Zellweger Syndrome Spectrum phenotype (0.0004). To our knowledge, no occurrence of c.-4C>T in individuals affected with Peroxisome Biogenesis Disorders, Zellweger Syndrome Spectrum and no experimental evidence demonstrating its impact on protein function have been reported. ClinVar contains an entry for this variant (Variation ID: 293235). Based on the evidence outlined above, the variant was classified as benign.

PreventionGenetics, part of Exact Sciences
Classification: Likely benign for PEX19-related condition. Last evaluated: 2024-11-15. Review status: criteria provided, single submitter. Criteria: ACMG Guidelines, 2015. Collection method: clinical testing. Allele origin: germline.
Comment: This variant is classified as likely benign based on ACMG/AMP sequence variant interpretation guidelines (Richards et al. 2015 PMID: 25741868, with internal and published modifications).

Blueprint Genetics
Classification: Likely benign. Last evaluated: 2024-11-07. Review status: criteria provided, single submitter. Criteria: ACMG Guidelines, 2015. Collection method: clinical testing. Allele origin: germline.

Fulgent Genetics
Classification: Uncertain significance for Peroxisome biogenesis disorder 12A (Zellweger). Last evaluated: 2021-08-10. Review status: criteria provided, single submitter. Criteria: ACMG Guidelines, 2015. Collection method: clinical testing. Allele origin: unknown.

Illumina Laboratory Services, Illumina
Classification: Uncertain significance for Peroxisome biogenesis disorder 12A (Zellweger). Last evaluated: 2018-01-13. Review status: criteria provided, single submitter. Criteria: ICSL Variant Classification Criteria 13 December 2019. Collection method: clinical testing. Allele origin: germline.

Eurofins Ntd Llc (ga)
Classification: Uncertain significance. Last evaluated: 2017-10-03. Review status: criteria provided, single submitter. Criteria: EGL Classification Definitions 2015. Collection method: clinical testing. Allele origin: germline. Observed: 3 variant alleles, 3 heterozygotes.